The following is an entry in ClinVar:

ClinVar aggregate classification (germline): Pathogenic (1 of 4 stars; one submission).

Conditions:
Microcephaly, normal intelligence and immunodeficiency (NBS). Also called: Microcephaly with normal intelligence immunodeficiency and lymphoreticular malignancies; Nonsyndromal microcephaly autosomal recessive with normal intelligence; Seemanova syndrome 2; Immunodeficiency, microcephaly with normal intelligence; SEEMANOVA SYNDROME II; Ataxia telangiectasia variant V1. Identifiers: Orphanet 647, MedGen C0398791, MONDO:0009623, OMIM 251260.

Submission:

Labcorp Genetics (formerly Invitae), Labcorp
Classification: Pathogenic for Microcephaly, normal intelligence and immunodeficiency. Last evaluated: 2021-09-29. Review status: criteria provided, single submitter. Criteria: Invitae Variant Classification Sherloc (09022015). Collection method: clinical testing. Allele origin: germline.
Comment: For these reasons, this variant has been classified as Pathogenic. Loss-of-function variants in NBN are known to be pathogenic (PMID: 9590180, 16415040). This variant has not been reported in the literature in individuals with NBN-related conditions. This variant is not present in population databases (ExAC no frequency). This sequence change creates a premature translational stop signal (p.His701Profs*8) in the NBN gene. It is expected to result in an absent or disrupted protein product.

Literature cited by the submitters: PubMed 9590180; PubMed 16415040.

NM_002485.5(NBN):c.2102del (p.His701fs)

Gene: NBN (nibrin; minus strand). Cytogenetic location: 8q21.3.
Variant type: Deletion.
Coding change: c.2102del on transcript NM_002485.5 (MANE Select); coding-DNA position 2102, one base deleted (A; older notation c.2102delA).
Protein change: p.His701fs; shifts the reading frame from histidine 701.
Molecular consequence: frameshift variant.
Genome position (GRCh38, 1-based): chr8:89,943,335, T deleted on the plus strand (A on the coding strand, the reverse complement: NBN is on the minus strand). VCF-style (leftmost placement, unchanged base first): chr8-89943334-GT-G. GRCh37 (hg19) VCF-style: chr8-90955562-GT-G.
Other names: c.1856del, p.His619fs (NM_001024688.3); short protein forms H619fs, H701fs.
Identifiers: ClinVar variation 848085 (VCV000848085.7), dbSNP rs1810038215, ClinGen allele CA916080401.